The following is an entry in ClinVar:

ClinVar aggregate classification (germline): Benign/Likely benign. Review status: criteria provided, multiple submitters, no conflicts (2 of 4 stars). 13 submissions from 13 submitters: Benign (9); Likely benign (1). 3 of the submissions do not count toward it. Last evaluated 2026-02-04.

Conditions:
Familial colorectal cancer type X. Identifiers: Orphanet 440437, MedGen C3896578, MONDO:0018604.
POLD1-related polyposis and colorectal cancer syndrome (CRCS10). Also called: Colorectal cancer, susceptibility to, 10; Colorectal cancer 10; COLORECTAL CANCER, SUSCEPTIBILITY TO, ON CHROMOSOME 19q. Identifiers: Orphanet 220460, MedGen C2675481, MONDO:0012953, OMIM 612591.
Hereditary cancer-predisposing syndrome. Also called: Neoplastic Syndromes, Hereditary; Hereditary neoplastic syndrome; Hereditary Cancer Syndrome; Tumor predisposition. Identifiers: Orphanet 140162, MedGen C0027672, MeSH D009386, MONDO:0015356.

Allele frequency attached by ClinVar (database versions not stated): gnomAD exomes 0.03528; ExAC 0.05689; gnomAD 0.10796 and 0.11362; ESP Exome Variant Server 0.11514; TOPMed 0.12113; 1000 Genomes Project 0.12859; 1000 Genomes Project 30x 0.13226.
gnomAD v4.1: 38,968 of 1,568,710 alleles (2.5%); highest among the groups gnomAD compares: African/African-American, 36%; 5,179 homozygotes.

Submissions (13):

Labcorp Genetics (formerly Invitae), Labcorp
Classification: Benign for POLD1-related polyposis and colorectal cancer syndrome. Last evaluated: 2026-02-04. Review status: criteria provided, single submitter. Criteria: Invitae Variant Classification Sherloc (09022015). Collection method: clinical testing. Allele origin: germline.

Center for Genomic Medicine, Rigshospitalet, Copenhagen University Hospital
Classification: Benign. Last evaluated: 2025-03-04. Review status: criteria provided, single submitter. Criteria: ACMG Guidelines, 2015. Collection method: clinical testing. Allele origin: germline.

KCCC/NGS Laboratory, Kuwait Cancer Control Center
Classification: Benign for POLD1-related polyposis and colorectal cancer syndrome. Last evaluated: 2023-07-07. Review status: criteria provided, single submitter. Criteria: ACMG Guidelines, 2015. Collection method: clinical testing. Allele origin: germline. Affected: yes.

Department of Pathology and Laboratory Medicine, Sinai Health System
Classification: Benign for Familial colorectal cancer type X. Last evaluated: 2022-09-13. Review status: criteria provided, single submitter. Criteria: ACMG Guidelines, 2015. Collection method: clinical testing. Allele origin: germline. Affected: yes.

Mayo Clinic Laboratories, Mayo Clinic
Classification: Benign. Last evaluated: 2021-04-26. Review status: criteria provided, single submitter. Criteria: ACMG Guidelines, 2015. Collection method: clinical testing. Allele origin: germline. Observed: 18 variant alleles.

PreventionGenetics, part of Exact Sciences
Classification: Benign. Last evaluated: 2016-11-02. Review status: criteria provided, single submitter. Criteria: ACMG Guidelines, 2015. Collection method: clinical testing. Allele origin: germline.

Women's Health and Genetics/Laboratory Corporation of America, LabCorp
Classification: Benign. Last evaluated: 2016-05-19. Review status: criteria provided, single submitter. Criteria: LabCorp Variant Classification Summary - May 2015. Collection method: clinical testing. Allele origin: germline.
Comment: Variant summary: The POLD1 c.3218+10A>G variant involves the alteration of a non-conserved intronic nucleotide. One in silico tool predicts a benign outcome for this variant. 5/5 splice prediction tools predict no significant impact on normal splicing. This variant was found in 3172/55760 control chromosomes (370 homozygotes) at a frequency of 0.0568867, which is approximately 4005 times the estimated maximal expected allele frequency of a pathogenic POLD1 variant (0.0000142), suggesting this variant is likely a benign polymorphism. Taken together, this variant is classified as benign.

GeneDx
Classification: Benign. Last evaluated: 2015-11-10. Review status: criteria provided, single submitter. Criteria: GeneDx Variant Classification (06012015). Collection method: clinical testing. Allele origin: germline. Affected: yes.
Comment: This variant is considered likely benign or benign based on one or more of the following criteria: it is a conservative change, it occurs at a poorly conserved position in the protein, it is predicted to be benign by multiple in silico algorithms, and/or has population frequency not consistent with disease.

Ambry Genetics
Classification: Benign for Hereditary cancer-predisposing syndrome. Last evaluated: 2015-05-21. Review status: criteria provided, single submitter. Criteria: Ambry Variant Classification Scheme 2023. Collection method: clinical testing. Allele origin: germline.

Breakthrough Genomics
Classification: Likely benign. Review status: criteria provided, single submitter. Criteria: ACMG Guidelines, 2015. Collection method: not provided. Allele origin: germline. Inheritance: Autosomal dominant inheritance. Affected: yes.

Counsyl
Classification: Likely benign for POLD1-related polyposis and colorectal cancer syndrome. Last evaluated: 2016-08-23. Review status: no assertion criteria provided. Collection method: clinical testing. Allele origin: unknown. Not counted in ClinVar's aggregate classification.

Clinical Genetics, Academic Medical Center
Classification: Benign. Review status: no assertion criteria provided. Collection method: clinical testing. Allele origin: germline. Affected: yes. Study: VKGL Data-share Consensus. Not counted in ClinVar's aggregate classification.

Laboratory of Diagnostic Genome Analysis, Leiden University Medical Center (LUMC)
Classification: Benign. Review status: no assertion criteria provided. Collection method: clinical testing. Allele origin: germline. Affected: yes. Study: VKGL Data-share Consensus. Not counted in ClinVar's aggregate classification.

NM_002691.4(POLD1):c.3218+10A>G

Gene: POLD1 (DNA polymerase delta 1, catalytic subunit; plus strand). Cytogenetic location: 19q13.33.
Variant type: single nucleotide variant.
Coding change: c.3218+10A>G on transcript NM_002691.4 (MANE Select); 10 bases into the intron after coding-DNA position 3218, A replaced by G.
Molecular consequence: intron variant.
Genome position (GRCh38, 1-based): chr19:50,417,279, A>G. VCF-style: chr19-50417279-A-G. GRCh37 (hg19) VCF-style: chr19-50920536-A-G.
Other names: p.?; c.3296+10A>G (LRG_785t2, NM_001308632.1); c.3218+10A>G (NM_001256849.1, LRG_785t1).
Identifiers: ClinVar variation 371933 (VCV000371933.26), dbSNP rs2463239, ClinGen allele CA9596795.